The following is an entry in ClinVar:

ClinVar aggregate classification (germline): Uncertain significance. Review status: criteria provided, multiple submitters, no conflicts (2 of 4 stars). 2 submissions from 2 submitters: Uncertain significance (2). Last evaluated 2024-06-26.

Conditions:
Inborn genetic diseases. Identifiers: MedGen C0950123, MeSH D030342.

Allele frequency attached by ClinVar (database versions not stated): ExAC 0.00002.
gnomAD v4.1: 6 of 1,614,014 alleles (0.00037%); highest among the groups gnomAD compares: Admixed American, 0.0083%; no homozygotes.

Submissions (2):

Ambry Genetics
Classification: Uncertain significance for Inborn genetic diseases. Last evaluated: 2024-06-26. Review status: criteria provided, single submitter. Criteria: Ambry Variant Classification Scheme 2023. Collection method: clinical testing. Allele origin: germline.

Labcorp Genetics (formerly Invitae), Labcorp
Classification: Uncertain significance. Last evaluated: 2023-11-27. Review status: criteria provided, single submitter. Criteria: Invitae Variant Classification Sherloc (09022015). Collection method: clinical testing. Allele origin: germline.
Comment: This sequence change replaces aspartic acid, which is acidic and polar, with histidine, which is basic and polar, at codon 385 of the ERCC6 protein (p.Asp385His). This variant is present in population databases (rs780608655, gnomAD 0.009%). This variant has not been reported in the literature in individuals affected with ERCC6-related conditions. ClinVar contains an entry for this variant (Variation ID: 1947623). Advanced modeling of protein sequence and biophysical properties (such as structural, functional, and spatial information, amino acid conservation, physicochemical variation, residue mobility, and thermodynamic stability) performed at Invitae indicates that this missense variant is not expected to disrupt ERCC6 protein function with a negative predictive value of 95%. In summary, the available evidence is currently insufficient to determine the role of this variant in disease. Therefore, it has been classified as a Variant of Uncertain Significance.

NM_000124.4(ERCC6):c.1153G>C (p.Asp385His)

Genes: ERCC6 (ERCC excision repair 6, chromatin remodeling factor; minus strand), PGBD3 (piggyBac transposable element derived 3; minus strand). Cytogenetic location: 10q11.23.
Variant type: single nucleotide variant.
Coding change: c.1153G>C on transcript NM_000124.4 (MANE Select); coding-DNA position 1153, G replaced by C.
Protein change: p.Asp385His; replaces aspartic acid 385 with histidine.
Molecular consequence: missense variant. On other transcripts: 5 prime UTR variant (1).
Genome position (GRCh38, 1-based): chr10:49,524,277, C>G on the plus strand (G>C on the coding strand, the complement: ERCC6 is on the minus strand). VCF-style: chr10-49524277-C-G. GRCh37 (hg19) VCF-style: chr10-50732323-C-G.
Other names: c.1153G>C, p.Asp385His (NM_001277058.2, NM_001277059.2, NM_001346440.2); c.-252G>C (NM_170753.3); short protein forms D385H.
Identifiers: ClinVar variation 1947623 (VCV001947623.6), dbSNP rs780608655, ClinGen allele CA5496381.